The following is an entry in ClinVar:

NM_000257.4(MYH7):c.3251A>T (p.Asp1084Val)

Gene: MYH7 (myosin heavy chain 7; minus strand). Cytogenetic location: 14q11.2.
Variant type: single nucleotide variant.
Coding change: c.3251A>T on transcript NM_000257.4 (MANE Select); coding-DNA position 3251, A replaced by T.
Protein change: p.Asp1084Val; replaces aspartic acid 1084 with valine.
Molecular consequence: missense variant.
Genome position (GRCh38, 1-based): chr14:23,421,043, T>A on the plus strand (A>T on the coding strand, the complement: MYH7 is on the minus strand). VCF-style: chr14-23421043-T-A. GRCh37 (hg19) VCF-style: chr14-23890252-T-A.
Other names: short protein forms D1084V.
Identifiers: ClinVar variation 859888 (VCV000859888.9), dbSNP rs1892454098, ClinGen allele CA389044573.

ClinVar aggregate classification (germline): Uncertain significance (1 of 4 stars; one submission).

Conditions:
Hypertrophic cardiomyopathy. Also called: HYPERTROPHIC MYOCARDIOPATHY. Identifiers: Orphanet 217569, MedGen C0007194, MeSH D002312, MONDO:0005045, HP:0001639.

Allele frequency attached by ClinVar (database versions not stated): gnomAD exomes below 0.00001.

Submission:

Labcorp Genetics (formerly Invitae), Labcorp
Classification: Uncertain significance for Hypertrophic cardiomyopathy. Last evaluated: 2019-12-06. Review status: criteria provided, single submitter. Criteria: Invitae Variant Classification Sherloc (09022015). Collection method: clinical testing. Allele origin: germline.
Comment: Algorithms developed to predict the effect of missense changes on protein structure and function are either unavailable or do not agree on the potential impact of this missense change (SIFT: "Deleterious"; PolyPhen-2: "Possibly Damaging"; Align-GVGD: "Class C15"). This variant has not been reported in the literature in individuals with MYH7-related conditions. This variant is not present in population databases (ExAC no frequency). This sequence change replaces aspartic acid with valine at codon 1084 of the MYH7 protein (p.Asp1084Val). The aspartic acid residue is highly conserved and there is a large physicochemical difference between aspartic acid and valine. In summary, the available evidence is currently insufficient to determine the role of this variant in disease. Therefore, it has been classified as a Variant of Uncertain Significance.